The following is an entry in ClinVar:

NM_024426.6(WT1):c.164_165delinsTG (p.Ala55Val)

Genes: WT1 (WT1 transcription factor; minus strand), LOC107982234 (WT1/WT1-AS bi-directional promoter region; plus strand). Cytogenetic location: 11p13.
Variant type: Indel.
Coding change: c.164_165delinsTG on transcript NM_024426.6 (MANE Select); coding-DNA positions 164 to 165, CT replaced by TG.
Protein change: p.Ala55Val; replaces alanine 55 with valine.
Molecular consequence: missense variant. On other transcripts: non-coding transcript variant (1).
Genome position (GRCh38, 1-based): chr11:32,435,196-32,435,197, AG replaced by CA on the plus strand (CT replaced by TG on the coding strand, the reverse complement: WT1 is on the minus strand). VCF-style: chr11-32435196-AG-CA. GRCh37 (hg19) VCF-style: chr11-32456742-AG-CA.
Other names: c.164_165delinsTG, p.Ala55Val (NM_000378.6, NM_024424.5); c.149_150delCTinsTG (NM_024426.4); short protein forms A55V.
Identifiers: ClinVar variation 1524014 (VCV001524014.7), dbSNP rs2133106545, ClinGen allele CA2573146210.

ClinVar aggregate classification (germline): Uncertain significance. Review status: criteria provided, multiple submitters, no conflicts (2 of 4 stars). 2 submissions from 2 submitters: Uncertain significance (2). Last evaluated 2025-05-14.

Conditions:
Frasier syndrome. Identifiers: Orphanet 347, MedGen C0950122, MeSH D052159, MONDO:0007635, OMIM 136680.
Drash syndrome (DDS). Also called: NEPHROPATHY, WILMS TUMOR, AND GENITAL ANOMALIES; WILMS TUMOR AND PSEUDO- OR TRUE HERMAPHRODITISM. Identifiers: Orphanet 220, MedGen C0950121, MONDO:0008682, OMIM 194080.
Wilms tumor 1 (WT1). Also called: Wilms tumor, somatic. Identifiers: Orphanet 654, MedGen CN033288, MONDO:0008679, OMIM 194070.
11p partial monosomy syndrome (WAGR). Also called: WAGR Spectrum Disorder; WAGR syndrome; CHROMOSOME 11p13 DELETION SYNDROME; WAGR Complex. Identifiers: Orphanet 893, MedGen C0206115, MONDO:0008681, OMIM 194072.
Inborn genetic diseases. Identifiers: MedGen C0950123, MeSH D030342.

Submissions (2):

Ambry Genetics
Classification: Uncertain significance for Inborn genetic diseases. Last evaluated: 2025-05-14. Review status: criteria provided, single submitter. Criteria: Ambry Variant Classification Scheme 2023. Collection method: clinical testing. Allele origin: germline.
Comment: The c.149_150delCTinsTG variant (also known as p.A50V), located in coding exon 1 of the WT1 gene, results from an in-frame deletion of CT and insertion of TG at nucleotide positions 149 to 150. This results in the substitution of the alanine residue for a valine residue at codon 50, an amino acid with similar properties. This amino acid position is poorly conserved in available vertebrate species. In addition, this variant is predicted to be neutral by in silico analysis (Choi Y et al. PLoS ONE. 2012; 7(10):e46688). Based on the available evidence, the clinical significance of this variant remains unclear.

Labcorp Genetics (formerly Invitae), Labcorp
Classification: Uncertain significance for Wilms tumor 1; Drash syndrome; 11p partial monosomy syndrome; Frasier syndrome. Last evaluated: 2021-11-06. Review status: criteria provided, single submitter. Criteria: Invitae Variant Classification Sherloc (09022015). Collection method: clinical testing. Allele origin: germline.
Comment: This sequence change replaces alanine, which is neutral and non-polar, with valine, which is neutral and non-polar, at codon 50 of the WT1 protein (p.Ala50Val). Algorithms developed to predict the effect of missense changes on protein structure and function are either unavailable or do not agree on the potential impact of this missense change (SIFT: "Not Available"; PolyPhen-2: "Benign"; Align-GVGD: "Not Available"). In summary, the available evidence is currently insufficient to determine the role of this variant in disease. Therefore, it has been classified as a Variant of Uncertain Significance. Information on the frequency of this variant in the gnomAD database is not available, as this variant may be reported differently in the database. This variant has not been reported in the literature in individuals affected with WT1-related conditions.